The following is an entry in ClinVar:

ClinVar aggregate classification (germline): Uncertain significance. Review status: criteria provided, multiple submitters, no conflicts (2 of 4 stars). 3 submissions from 3 submitters: Uncertain significance (3). Last evaluated 2026-04-22.

Conditions:
Deficiency of hydroxymethylglutaryl-CoA lyase (HMGCLD). Also called: HMGCL DEFICIENCY; HYDROXYMETHYLGLUTARIC ACIDURIA; HMG-CoA LYASE DEFICIENCY; Defect in leucine metabolism; 3-hydroxy-3-methylglutaric aciduria. Identifiers: Orphanet 20, MedGen C1533587, MONDO:0009520, OMIM 246450.

Allele frequency attached by ClinVar (database versions not stated): TOPMed below 0.00001; gnomAD 0.00001; gnomAD exomes 0.00001.
gnomAD v4.1: 9 of 1,614,068 alleles (0.00056%); highest among the groups gnomAD compares: Non-Finnish European, 0.00076%; no homozygotes.

Submissions (3):

GeneDx
Classification: Uncertain significance. Last evaluated: 2026-04-22. Review status: criteria provided, single submitter. Criteria: GeneDx Variant Classification Process June 2021. Collection method: clinical testing. Allele origin: germline.
Comment: Not observed at significant frequency in large population cohorts (gnomAD); In silico analysis supports that this missense variant has a deleterious effect on protein structure/function; This variant is associated with the following publications: (PMID: 19932602)

Women's Health and Genetics/Laboratory Corporation of America, LabCorp
Classification: Uncertain significance. Last evaluated: 2024-04-18. Review status: criteria provided, single submitter. Criteria: LabCorp Variant Classification Summary - May 2015. Collection method: clinical testing. Allele origin: germline.
Comment: Variant summary: HMGCL c.820G>A (p.Gly274Arg) results in a non-conservative amino acid change located in the Pyruvate carboxyltransferase domain (IPR000891) of the encoded protein sequence. Five of five in-silico tools predict a damaging effect of the variant on protein function. The variant was absent in 251472 control chromosomes (gnomAD). The available data on variant occurrences in the general population are insufficient to allow any conclusion about variant significance. c.820G>A has been reported in the literature in an individual affected with HMG-CoA Lyase Deficiency (Pierron_2010). These data do not allow any conclusion about variant significance. To our knowledge, no experimental evidence demonstrating an impact on protein function has been reported. The following publication has been ascertained in the context of this evaluation (PMID: 19932602). ClinVar contains an entry for this variant (Variation ID: 1402741). Based on the evidence outlined above, the variant was classified as uncertain significance.

Labcorp Genetics (formerly Invitae), Labcorp
Classification: Uncertain significance for Deficiency of hydroxymethylglutaryl-CoA lyase. Last evaluated: 2022-04-26. Review status: criteria provided, single submitter. Criteria: Invitae Variant Classification Sherloc (09022015). Collection method: clinical testing. Allele origin: germline.
Comment: This sequence change replaces glycine, which is neutral and non-polar, with arginine, which is basic and polar, at codon 274 of the HMGCL protein (p.Gly274Arg). This variant is present in population databases (no rsID available, gnomAD 0.007%). This missense change has been observed in individual(s) with 3HMG-CoA lyase deficiency (PMID: 19932602). Algorithms developed to predict the effect of missense changes on protein structure and function (SIFT, PolyPhen-2, Align-GVGD) all suggest that this variant is likely to be disruptive. In summary, the available evidence is currently insufficient to determine the role of this variant in disease. Therefore, it has been classified as a Variant of Uncertain Significance.

Literature cited by the submitters: PubMed 19932602 (cited by Women's Health and Genetics/Laboratory Corporation of America, LabCorp and Labcorp Genetics (formerly Invitae), Labcorp).

NM_000191.3(HMGCL):c.820G>A (p.Gly274Arg)

Gene: HMGCL (3-hydroxy-3-methylglutaryl-CoA lyase; minus strand). Cytogenetic location: 1p36.11.
Variant type: single nucleotide variant.
Coding change: c.820G>A on transcript NM_000191.3 (MANE Select); coding-DNA position 820, G replaced by A.
Protein change: p.Gly274Arg; replaces glycine 274 with arginine.
Molecular consequence: missense variant.
Genome position (GRCh38, 1-based): chr1:23,804,456, C>T on the plus strand (G>A on the coding strand, the complement: HMGCL is on the minus strand). VCF-style: chr1-23804456-C-T. GRCh37 (hg19) VCF-style: chr1-24130946-C-T.
Other names: c.820G>A (NM_000191.2); c.607G>A, p.Gly203Arg (NM_001166059.2); short protein forms G274R, G203R.
Identifiers: ClinVar variation 1402741 (VCV001402741.7), dbSNP rs1391067821, ClinGen allele CA339021058.